The following is an entry in ClinVar:

ClinVar aggregate classification (germline): Uncertain significance. Review status: criteria provided, multiple submitters, no conflicts (2 of 4 stars). 2 submissions from 2 submitters: Uncertain significance (2). Last evaluated 2019-06-20.

Conditions:
Neuropathy, hereditary sensory and autonomic, type 1C. Also called: HSAN IC; HSN IC. Identifiers: Orphanet 36386, MedGen C3150896, MONDO:0013337, OMIM 613640.

Allele frequency attached by ClinVar (database versions not stated): gnomAD 0.00001.

Submissions (2):

Labcorp Genetics (formerly Invitae), Labcorp
Classification: Uncertain significance for Hereditary sensory and autonomic neuropathy type IC. Last evaluated: 2019-06-20. Review status: criteria provided, single submitter. Criteria: Invitae Variant Classification Sherloc (09022015). Collection method: clinical testing. Allele origin: germline.
Comment: This sequence change replaces methionine with valine at codon 149 of the SPTLC2 protein (p.Met149Val). The methionine residue is moderately conserved and there is a small physicochemical difference between methionine and valine. This variant is not present in population databases (ExAC no frequency). This variant has not been reported in the literature in individuals with SPTLC2-related conditions. ClinVar contains an entry for this variant (Variation ID: 452683). Algorithms developed to predict the effect of missense changes on protein structure and function (SIFT, PolyPhen-2, Align-GVGD) all suggest that this variant is likely to be tolerated, but these predictions have not been confirmed by published functional studies and their clinical significance is uncertain. In summary, the available evidence is currently insufficient to determine the role of this variant in disease. Therefore, it has been classified as a Variant of Uncertain Significance.

GeneDx
Classification: Uncertain significance. Last evaluated: 2017-10-20. Review status: criteria provided, single submitter. Criteria: GeneDx Variant Classification (06012015). Collection method: clinical testing. Allele origin: germline. Affected: yes.
Comment: The M149V variant in the SPTLC2 gene has not been reported previously as a pathogenic variant, nor as a benign variant, to our knowledge. The M149V variant is not observed in large population cohorts (Lek et al., 2016). The M149V variant is a conservative amino acid substitution, which is not likely to impact secondary protein structure as these residues share similar properties. This substitution occurs at a position where amino acids with similar properties to Methionine are tolerated across species. In silico analysis is inconsistent in its predictions as to whether or not the variant is damaging to the protein structure/function. We interpret M149V as a variant of uncertain significance.

NM_004863.4(SPTLC2):c.445A>G (p.Met149Val)

Gene: SPTLC2 (serine palmitoyltransferase long chain base subunit 2; minus strand). Cytogenetic location: 14q24.3.
Variant type: single nucleotide variant.
Coding change: c.445A>G on transcript NM_004863.4 (MANE Select); coding-DNA position 445, A replaced by G.
Protein change: p.Met149Val; replaces methionine 149 with valine.
Molecular consequence: missense variant.
Genome position (GRCh38, 1-based): chr14:77,578,992, T>C on the plus strand (A>G on the coding strand, the complement: SPTLC2 is on the minus strand). VCF-style: chr14-77578992-T-C. GRCh37 (hg19) VCF-style: chr14-78045335-T-C.
Other names: short protein forms M149V.
Identifiers: ClinVar variation 452683 (VCV000452683.3), dbSNP rs1309964279, ClinGen allele CA390700616.